The following is an entry in ClinVar:

NM_012210.4(TRIM32):c.1723T>A (p.Phe575Ile)

Genes: ASTN2 (astrotactin 2; minus strand), TRIM32 (tripartite motif containing 32; plus strand). Cytogenetic location: 9q33.1.
Variant type: single nucleotide variant.
Coding change: c.1723T>A on transcript NM_012210.4 (MANE Select); coding-DNA position 1723, T replaced by A.
Protein change: p.Phe575Ile; replaces phenylalanine 575 with isoleucine.
Molecular consequence: missense variant. On other transcripts: intron variant (3).
Genome position (GRCh38, 1-based): chr9:116,699,465, T>A. VCF-style: chr9-116699465-T-A. GRCh37 (hg19) VCF-style: chr9-119461744-T-A.
Other names: c.2653+26306A>T (NM_014010.5); c.2794+26306A>T (NM_001365069.1); c.2806+26306A>T (NM_001365068.1); c.1723T>A, p.Phe575Ile (NM_001099679.2, NM_001379048.1, NM_001379049.1 and 1 more transcripts); short protein forms F575I.
Identifiers: ClinVar variation 3708389 (VCV003708389.2).

ClinVar aggregate classification (germline): Uncertain significance (1 of 4 stars; one submission).

Conditions:
Bardet-Biedl syndrome (BBS). Identifiers: Orphanet 110, MedGen C0752166, MONDO:0015229.

gnomAD v4.1: 1 of 1,614,182 alleles (0.000062%); highest among the groups gnomAD compares: Non-Finnish European, 0.000085%; no homozygotes.

Submission:

Labcorp Genetics (formerly Invitae), Labcorp
Classification: Uncertain significance for Bardet-Biedl syndrome. Last evaluated: 2024-10-29. Review status: criteria provided, single submitter. Criteria: Invitae Variant Classification Sherloc (09022015). Collection method: clinical testing. Allele origin: germline.
Comment: This sequence change replaces phenylalanine, which is neutral and non-polar, with isoleucine, which is neutral and non-polar, at codon 575 of the TRIM32 protein (p.Phe575Ile). This variant is not present in population databases (gnomAD no frequency). This variant has not been reported in the literature in individuals affected with TRIM32-related conditions. An algorithm developed to predict the effect of missense changes on protein structure and function (PolyPhen-2) suggests that this variant is likely to be disruptive. In summary, the available evidence is currently insufficient to determine the role of this variant in disease. Therefore, it has been classified as a Variant of Uncertain Significance.